The following is an entry in ClinVar:

NM_004612.4(TGFBR1):c.*2685T>G

Gene: TGFBR1 (transforming growth factor beta receptor 1; plus strand). Cytogenetic location: 9q22.33.
Variant type: single nucleotide variant.
Coding change: c.*2685T>G on transcript NM_004612.4 (MANE Select); 2685 bases downstream of the stop codon, T replaced by G.
Molecular consequence: 3 prime UTR variant.
Genome position (GRCh38, 1-based): chr9:99,151,990, T>G. VCF-style: chr9-99151990-T-G. GRCh37 (hg19) VCF-style: chr9-101914272-T-G.
Other names: c.*2685T>G (NM_001130916.3, NM_001306210.2).
Identifiers: ClinVar variation 364149 (VCV000364149.33), dbSNP rs145043837, ClinGen allele CA10634321.

ClinVar aggregate classification (germline): Conflicting classifications of pathogenicity. Review status: criteria provided, conflicting classifications (1 of 4 stars). 2 submissions from 2 submitters: Uncertain significance (1); Likely benign (1). Last evaluated 2023-04-01.

Conditions:
Loeys-Dietz syndrome 1 (LDS1). Also called: FURLONG SYNDROME; AORTIC ANEURYSM, FAMILIAL THORACIC 5; TGFBR1-Related Loeys-Dietz Syndrome. Identifiers: Orphanet 60030, MedGen C4551955, MONDO:0012212, OMIM 609192.

Allele frequency attached by ClinVar (database versions not stated): 1000 Genomes Project 0.00020; 1000 Genomes Project 30x 0.00047; TOPMed 0.00122; gnomAD 0.00131 and 0.00132; gnomAD exomes 0.00194.
gnomAD v4.1: 282 of 197,088 alleles (0.14%); highest among the groups gnomAD compares: Non-Finnish European, 0.26%; 1 homozygote.

Submissions (2):

CeGaT Center for Human Genetics Tuebingen
Classification: Likely benign. Last evaluated: 2023-04-01. Review status: criteria provided, single submitter. Criteria: CeGaT Center For Human Genetics Tuebingen Variant Classification Criteria Version 2. Collection method: clinical testing. Allele origin: germline. Affected: yes. Observed: 2 variant alleles.
Comment: TGFBR1: BS1

Illumina Laboratory Services, Illumina
Classification: Uncertain significance for Loeys-Dietz syndrome 1. Last evaluated: 2018-01-13. Review status: criteria provided, single submitter. Criteria: ICSL Variant Classification Criteria 13 December 2019. Collection method: clinical testing. Allele origin: germline.